The following is an entry in ClinVar:

ClinVar aggregate classification (germline): Likely benign (1 of 4 stars; one submission).

Conditions:
White sponge nevus 2 (WSN2). Identifiers: MedGen C4014321, MONDO:0014346, OMIM 615785.

Allele frequency attached by ClinVar (database versions not stated): gnomAD exomes 0.00007 and 0.00016; TOPMed 0.00009; ExAC 0.00010; gnomAD 0.00010.

Submission:

Illumina Laboratory Services, Illumina
Classification: Likely benign for White sponge nevus 2. Last evaluated: 2018-01-13. Review status: criteria provided, single submitter. Criteria: ICSL Variant Classification Criteria 13 December 2019. Collection method: clinical testing. Allele origin: germline.
Comment: This variant was observed in the ICSL laboratory as part of a predisposition screen in an ostensibly healthy population. It had not been previously curated by ICSL or reported in the Human Gene Mutation Database (HGMD: prior to June 1st, 2018), and was therefore a candidate for classification through an automated scoring system. Utilizing variant allele frequency, disease prevalence and penetrance estimates, and inheritance mode, an automated score was calculated to assess if this variant is too frequent to cause the disease. Based on the score and internal cut-off values, a variant classified as likely benign is not then subjected to further curation. The score for this variant resulted in a classification of likely benign for this disease.

NM_153490.3(KRT13):c.1238A>T (p.Asp413Val)

Gene: KRT13 (keratin 13; minus strand). Cytogenetic location: 17q21.2.
Variant type: single nucleotide variant.
Coding change: c.1238A>T on transcript NM_153490.3 (MANE Select); coding-DNA position 1238, A replaced by T.
Protein change: p.Asp413Val; replaces aspartic acid 413 with valine.
Molecular consequence: missense variant.
Genome position (GRCh38, 1-based): chr17:41,502,380, T>A on the plus strand (A>T on the coding strand, the complement: KRT13 is on the minus strand). VCF-style: chr17-41502380-T-A. GRCh37 (hg19) VCF-style: chr17-39658632-T-A.
Other names: c.1238A>T, p.Asp413Val (NM_002274.4); short protein forms D413V.
Identifiers: ClinVar variation 889824 (VCV000889824.4), dbSNP rs200269035, ClinGen allele CA8560479.